The following is an entry in ClinVar:

NM_000321.3(RB1):c.1005A>G (p.Leu335=)

Gene: RB1 (RB transcriptional corepressor 1; plus strand). Cytogenetic location: 13q14.2.
Variant type: single nucleotide variant.
Coding change: c.1005A>G on transcript NM_000321.3 (MANE Select); coding-DNA position 1005, A replaced by G.
Protein change: p.Leu335=; no amino-acid change (leucine 335 retained).
Molecular consequence: synonymous variant.
Genome position (GRCh38, 1-based): chr13:48,367,559, A>G. VCF-style: chr13-48367559-A-G. GRCh37 (hg19) VCF-style: chr13-48941695-A-G.
Other names: c.1005A>G, p.Leu335= (NM_001407165.1, NM_001407166.1).
Identifiers: ClinVar variation 2054622 (VCV002054622.5), dbSNP rs2542188572, ClinGen allele CA483558188.

ClinVar aggregate classification (germline): Benign/Likely benign. Review status: criteria provided, multiple submitters, no conflicts (2 of 4 stars). 2 submissions from 2 submitters: Benign (1); Likely benign (1). Last evaluated 2026-06-24.

Conditions:
Retinoblastoma (RB1). Also called: RETINOBLASTOMA, SOMATIC. Identifiers: Orphanet 790, MedGen C0035335, MeSH D012175, MONDO:0008380, OMIM 180200, HP:0009919. Disease mechanism: loss of function. Inheritance: Both sporadic and heritable forms are tested..

Submissions (2):

Myriad Genetics, Inc.
Classification: Benign for Retinoblastoma. Last evaluated: 2026-06-24. Review status: criteria provided, single submitter. Criteria: Myriad Autosomal Dominant, Autosomal Recessive and X-Linked Classification Criteria (2023). Collection method: clinical testing. Allele origin: unknown.
Comment: This variant is considered benign. This variant is a silent/synonymous amino acid change and it is not expected to impact splicing.

Labcorp Genetics (formerly Invitae), Labcorp
Classification: Likely benign for Retinoblastoma. Last evaluated: 2021-12-23. Review status: criteria provided, single submitter. Criteria: Invitae Variant Classification Sherloc (09022015). Collection method: clinical testing. Allele origin: germline.